The following is an entry in ClinVar:

ClinVar aggregate classification (germline): Likely benign (1 of 4 stars; one submission).

Conditions:
Spinocerebellar ataxia type 14 (SCA14). Identifiers: Orphanet 98763, MedGen C1854369, MONDO:0011540, OMIM 605361.

Allele frequency attached by ClinVar (database versions not stated): gnomAD 0.00001; gnomAD exomes 0.00001 and 0.00002; ExAC 0.00002; TOPMed 0.00003.
gnomAD v4.1: 19 of 1,606,968 alleles (0.0012%); highest among the groups gnomAD compares: South Asian, 0.011%; no homozygotes.

Submission:

Illumina Laboratory Services, Illumina
Classification: Likely benign for Spinocerebellar ataxia type 14. Last evaluated: 2018-01-13. Review status: criteria provided, single submitter. Criteria: ICSL Variant Classification Criteria 13 December 2019. Collection method: clinical testing. Allele origin: germline.
Comment: This variant was observed in the ICSL laboratory as part of a predisposition screen in an ostensibly healthy population. It had not been previously curated by ICSL or reported in the Human Gene Mutation Database (HGMD: prior to June 1st, 2018), and was therefore a candidate for classification through an automated scoring system. Utilizing variant allele frequency, disease prevalence and penetrance estimates, and inheritance mode, an automated score was calculated to assess if this variant is too frequent to cause the disease. Based on the score and internal cut-off values, a variant classified as likely benign is not then subjected to further curation. The score for this variant resulted in a classification of likely benign for this disease.

NM_002739.5(PRKCG):c.*48G>A

Gene: PRKCG (protein kinase C gamma; plus strand). Cytogenetic location: 19q13.42.
Variant type: single nucleotide variant.
Coding change: c.*48G>A on transcript NM_002739.5 (MANE Select); 48 bases downstream of the stop codon, G replaced by A.
Molecular consequence: 3 prime UTR variant. On other transcripts: intron variant (1).
Genome position (GRCh38, 1-based): chr19:53,906,943, G>A. VCF-style: chr19-53906943-G-A. GRCh37 (hg19) VCF-style: chr19-54410197-G-A.
Other names: c.*48G>A (LRG_669t1); c.2091-51G>A (NM_001316329.2).
Identifiers: ClinVar variation 330075 (VCV000330075.5), dbSNP rs775600229, ClinGen allele CA9640784.